The following is an entry in ClinVar:

ClinVar aggregate classification (germline): Uncertain significance (1 of 4 stars; one submission).

Submission:

Labcorp Genetics (formerly Invitae), Labcorp
Classification: Uncertain significance. Last evaluated: 2022-08-20. Review status: criteria provided, single submitter. Criteria: Invitae Variant Classification Sherloc (09022015). Collection method: clinical testing. Allele origin: germline.
Comment: In summary, the available evidence is currently insufficient to determine the role of this variant in disease. Therefore, it has been classified as a Variant of Uncertain Significance. Algorithms developed to predict the effect of missense changes on protein structure and function are either unavailable or do not agree on the potential impact of this missense change (SIFT: "Not Available"; PolyPhen-2: "Benign"; Align-GVGD: "Not Available"). This variant has not been reported in the literature in individuals affected with NPPC-related conditions. This variant is not present in population databases (gnomAD no frequency). This sequence change replaces glutamine, which is neutral and polar, with leucine, which is neutral and non-polar, at codon 50 of the NPPC protein (p.Gln50Leu).

NM_024409.4(NPPC):c.149A>T (p.Gln50Leu)

Gene: NPPC (natriuretic peptide C; minus strand). Cytogenetic location: 2q37.1.
Variant type: single nucleotide variant.
Coding change: c.149A>T on transcript NM_024409.4 (MANE Select); coding-DNA position 149, A replaced by T.
Protein change: p.Gln50Leu; replaces glutamine 50 with leucine.
Molecular consequence: missense variant.
Genome position (GRCh38, 1-based): chr2:231,925,657, T>A on the plus strand (A>T on the coding strand, the complement: NPPC is on the minus strand). VCF-style: chr2-231925657-T-A. GRCh37 (hg19) VCF-style: chr2-232790367-T-A.
Other names: short protein forms Q50L.
Identifiers: ClinVar variation 2025072 (VCV002025072.4), dbSNP rs758019871, ClinGen allele CA351150275.
Genomic context (GRCh38, chr2:231,925,657, plus strand): 5'-CGCGACCGGTCGCCCTTGAGATTGGCGCCCCCGCCCCCGGGAGCCTTGTCGCCCTTCTTC[T>A]GACCGCCGCCCGCAGCCTGCGGCTCGGCCAGCTCCTCTGCCGGCGGGGTTCGCGGGACCT-3'
Protein context (NP_077720.1, residues 40-60): LAEPQAAGGG[Gln50Leu]KKGDKAPGGG